The following is an entry in ClinVar:

ClinVar aggregate classification (germline): Likely benign. Review status: criteria provided, multiple submitters, no conflicts (2 of 4 stars). 6 submissions from 6 submitters: Likely benign (6). Last evaluated 2025-11-03.

Conditions:
PKP2-related disorder. Also called: PKP2-related condition.
Cardiovascular phenotype. Identifiers: MedGen CN230736.
Arrhythmogenic right ventricular cardiomyopathy (ARVD). Also called: Cardiomyopathy, ARVC; Arrhythmogenic cardiomyopathy; Arrhythmogenic right ventricular dysplasia; Arrhythmogenic Right Ventricular Cardiomyopathy (ARVC). Identifiers: Orphanet 247, MedGen C0349788, MeSH D019571, MONDO:0016587. Disease mechanism: loss of function. Inheritance: Various modes of inheritance.
Cardiomyopathy (CMYO). Also called: Cardiomyopathies. Identifiers: Orphanet 167848, MedGen C0878544, MONDO:0004994, HP:0001638. Inheritance: Various modes of inheritance.
Arrhythmogenic right ventricular dysplasia 9 (ARVD9). Also called: ARRHYTHMOGENIC RIGHT VENTRICULAR DYSPLASIA, FAMILIAL, 9; Arrhythmogenic Right Ventricular Dysplasia/Cardiomyopathy 9. Identifiers: MedGen C1836906, MONDO:0012180, OMIM 609040.

Allele frequency attached by ClinVar (database versions not stated): gnomAD exomes 0.00006; ExAC 0.00012; ESP Exome Variant Server 0.00016; gnomAD 0.00019 and 0.00022; TOPMed 0.00024.
gnomAD v4.1: 41 of 1,558,478 alleles (0.0026%); highest among the groups gnomAD compares: African/African-American, 0.054%; no homozygotes.

Submissions (6):

Labcorp Genetics (formerly Invitae), Labcorp
Classification: Likely benign for Arrhythmogenic right ventricular dysplasia 9. Last evaluated: 2025-11-03. Review status: criteria provided, single submitter. Criteria: Invitae Variant Classification Sherloc (09022015). Collection method: clinical testing. Allele origin: germline.

PreventionGenetics, part of Exact Sciences
Classification: Likely benign for PKP2-related condition. Last evaluated: 2024-12-29. Review status: criteria provided, single submitter. Criteria: ACMG Guidelines, 2015. Collection method: clinical testing. Allele origin: germline.
Comment: This variant is classified as likely benign based on ACMG/AMP sequence variant interpretation guidelines (Richards et al. 2015 PMID: 25741868, with internal and published modifications).

All of Us Research Program, National Institutes of Health
Classification: Likely benign for Arrhythmogenic right ventricular cardiomyopathy. Last evaluated: 2024-01-08. Review status: criteria provided, single submitter. Criteria: ACMG Guidelines, 2015. Collection method: clinical testing. Allele origin: germline. Inheritance: Autosomal dominant inheritance. Observed: 9 variant alleles, 9 heterozygotes.
Comment: This study involves interpretation of variants in research participants for the purpose of population health screening. Participant phenotype was not available at the time of variant classification. Additional details can be found in publication PMID: 35346344, PMCID: PMC8962531

Women's Health and Genetics/Laboratory Corporation of America, LabCorp
Classification: Likely benign. Last evaluated: 2021-02-01. Review status: criteria provided, single submitter. Criteria: LabCorp Variant Classification Summary - May 2015. Collection method: clinical testing. Allele origin: germline.

Color Diagnostics, LLC DBA Color Health
Classification: Likely benign for Cardiomyopathy. Last evaluated: 2021-01-20. Review status: criteria provided, single submitter. Criteria: ACMG Guidelines, 2015. Collection method: clinical testing. Allele origin: germline.

Ambry Genetics
Classification: Likely benign for Cardiovascular phenotype. Last evaluated: 2020-01-23. Review status: criteria provided, single submitter. Criteria: Ambry Variant Classification Scheme 2023. Collection method: clinical testing. Allele origin: germline.

NM_001005242.3(PKP2):c.198G>A (p.Arg66=)

Gene: PKP2 (plakophilin 2; minus strand). Cytogenetic location: 12p11.21.
Variant type: single nucleotide variant.
Coding change: c.198G>A on transcript NM_001005242.3 (MANE Select); coding-DNA position 198, G replaced by A.
Protein change: p.Arg66=; no amino-acid change (arginine 66 retained).
Molecular consequence: synonymous variant.
Genome position (GRCh38, 1-based): chr12:32,896,534, C>T on the plus strand (G>A on the coding strand, the complement: PKP2 is on the minus strand). VCF-style: chr12-32896534-C-T. GRCh37 (hg19) VCF-style: chr12-33049468-C-T.
Other names: c.198G>A, p.Arg66= (NM_004572.4).
Identifiers: ClinVar variation 414021 (VCV000414021.18), dbSNP rs144106848, ClinGen allele CA032086.